The following is an entry in ClinVar:

ClinVar aggregate classification (germline): Pathogenic. Review status: criteria provided, multiple submitters, no conflicts (2 of 4 stars). 2 submissions from 2 submitters: Pathogenic (2). Last evaluated 2018-07-01.

Conditions:
TUBA1A-associated tubulinopathy.
Tubulinopathy. Also called: Tubulinopathies. Identifiers: MedGen CN850169, MONDO:0100153.

Submissions (2):

Institute of Human Genetics, FAU Erlangen, Friedrich-Alexander-Universität Erlangen-Nürnberg
Classification: Pathogenic for Tubulinopathies. Last evaluated: 2018-07-01. Review status: criteria provided, single submitter. Criteria: ACMG Guidelines, 2015. Collection method: literature only. Allele origin: de novo. Affected: yes. Observed: 1 variant allele.
Comment: The c.352G>C, p.(Val118Leu) variant has been reported as a variant of de novo origin. This variant and associated phenotype was previously reported by Romaniello et al. Eur Radiol, 2017 PMID: 28677066. Cortical gyral simplification (HP:0009879); Dysgenesis of the cerebellar vermis (HP:0002195); Brainstem dysplasia (HP:0002508); Dilated fourth ventricle (HP:0002198); Congenital microcephaly (HP:0011451); Spasticity (HP:0001257); Focal seizures (HP:0007359)

Rady Children's Institute for Genomic Medicine, Rady Children's Hospital San Diego
Classification: Pathogenic for TUBA1A-associated tubulinopathy. Review status: criteria provided, single submitter. Criteria: ACMG Guidelines, 2015. Collection method: clinical testing. Allele origin: germline. Affected: yes.
Comment: The TUBA1A gene is constrained against variation (Z-score= 5.58 and pLI = 0.97), and missense variants have been reported in individuals with TUBA1A-associated tubulinopathy (HGMD, ClinVar database; PMID: 24860126, 28677066, 25326637). The c.352G>C variant is absent from the gnomAD population database and thus is presumed to be rare. The c.352G>C variant affects a highly conserved amino acid and is predicted by multiple in silico tools to have a deleterious effect on protein function. Analysis of the parental samples was negative for the variant, indicating this variant likely occurred as a de novo event. Based on the available evidence, the c.352G>C variant is classified as Pathogenic.

Literature cited by the submitters: PubMed 30744660 (cited by Institute of Human Genetics, FAU Erlangen, Friedrich-Alexander-Universität Erlangen-Nürnberg); DOI 10.1101/427948 (cited by Institute of Human Genetics, FAU Erlangen, Friedrich-Alexander-Universität Erlangen-Nürnberg).

NM_006009.4(TUBA1A):c.352G>C (p.Val118Leu)

Gene: TUBA1A (tubulin alpha 1a; minus strand). Cytogenetic location: 12q13.12.
Variant type: single nucleotide variant.
Coding change: c.352G>C on transcript NM_006009.4 (MANE Select); coding-DNA position 352, G replaced by C.
Protein change: p.Val118Leu; replaces valine 118 with leucine.
Molecular consequence: missense variant.
Genome position (GRCh38, 1-based): chr12:49,186,333, C>G on the plus strand (G>C on the coding strand, the complement: TUBA1A is on the minus strand). VCF-style: chr12-49186333-C-G. GRCh37 (hg19) VCF-style: chr12-49580116-C-G.
Other names: c.352G>C, p.Val118Leu (NM_001270399.2); c.247G>C, p.Val83Leu (NM_001270400.2); short protein forms V118L, V83L.
Identifiers: ClinVar variation 625508 (VCV000625508.3), dbSNP rs863224938, ClinGen allele CA384643090.